The following is an entry in ClinVar:

NM_024675.4(PALB2):c.1546del (p.Arg516fs)

Gene: PALB2 (partner and localizer of BRCA2; minus strand). Cytogenetic location: 16p12.2.
Variant type: Deletion.
Coding change: c.1546del on transcript NM_024675.4 (MANE Select); coding-DNA position 1546, one base deleted (A; older notation c.1546delA).
Protein change: p.Arg516fs; shifts the reading frame from arginine 516.
Molecular consequence: frameshift variant.
Genome position (GRCh38, 1-based): chr16:23,635,000, T deleted on the plus strand (A on the coding strand, the reverse complement: PALB2 is on the minus strand); the first of 5 consecutive T bases (chr16:23,635,000-23,635,004); deleting any one gives the same sequence. VCF-style (leftmost placement, unchanged base first): chr16-23634999-CT-C. GRCh37 (hg19) VCF-style: chr16-23646320-CT-C.
Other names: c.1546delA (NM_024675.3).
Identifiers: ClinVar variation 141185 (VCV000141185.24), dbSNP rs587781560, ClinGen allele CA164708.

ClinVar aggregate classification (germline): Pathogenic. Review status: criteria provided, multiple submitters, no conflicts (2 of 4 stars). 8 submissions from 8 submitters: Pathogenic (7). 1 of the submissions does not count toward it. Last evaluated 2026-01-04.

Conditions:
Hereditary cancer-predisposing syndrome. Also called: Neoplastic Syndromes, Hereditary; Tumor predisposition; Hereditary Cancer Syndrome; Hereditary neoplastic syndrome. Identifiers: Orphanet 140162, MedGen C0027672, MeSH D009386, MONDO:0015356.
Familial cancer of breast. Also called: BREAST CANCER, FAMILIAL; Hereditary breast cancer; hereditary breast carcinoma. Identifiers: Orphanet 227535, MedGen C0346153, MONDO:0016419, OMIM 114480. Disease mechanism: loss of function.

Submissions (8):

Labcorp Genetics (formerly Invitae), Labcorp
Classification: Pathogenic for Familial cancer of breast. Last evaluated: 2026-01-04. Review status: criteria provided, single submitter. Criteria: Invitae Variant Classification Sherloc (09022015). Collection method: clinical testing. Allele origin: germline.
Comment: This sequence change creates a premature translational stop signal (p.Arg516Glufs*45) in the PALB2 gene. It is expected to result in an absent or disrupted protein product. Loss-of-function variants in PALB2 are known to be pathogenic (PMID: 17200668, 17200671, 17200672, 24136930, 25099575). This variant is not present in population databases (gnomAD no frequency). This premature translational stop signal has been observed in individual(s) with breast cancer and melanoma (PMID: 24415441, 25575445). ClinVar contains an entry for this variant (Variation ID: 141185). For these reasons, this variant has been classified as Pathogenic.

Color Diagnostics, LLC DBA Color Health
Classification: Pathogenic for Hereditary cancer-predisposing syndrome. Last evaluated: 2025-11-10. Review status: criteria provided, single submitter. Criteria: ACMG Guidelines, 2015. Collection method: clinical testing. Allele origin: germline.
Comment: This variant deletes 1 nucleotide in exon 4 of the PALB2 gene, creating a frameshift and premature translation stop signal. This variant is expected to result in an absent or non-functional protein product. To our knowledge, functional studies have not been reported for this variant. This variant has been reported in individuals affected with breast cancer (PMID: 24415441, 25575445, 27153395, 28779002). This variant has been detected in a breast cancer case-control meta-analysis in 1/60466 cases and absent in 53461 unaffected individuals (PMID: 33471991LOVD DB-ID PALB2_010236). This variant has been identified in 6/1614132 chromosomes in the general population by the Genome Aggregation Database (gnomAD). Loss of PALB2 function is a known mechanism of disease. Based on the available evidence, this variant is classified as Pathogenic.

Ambry Genetics
Classification: Pathogenic for Hereditary cancer-predisposing syndrome. Last evaluated: 2024-12-13. Review status: criteria provided, single submitter. Criteria: Ambry Variant Classification Scheme 2023. Collection method: clinical testing. Allele origin: germline.
Comment: The c.1546delA pathogenic mutation, located in coding exon 4 of the PALB2 gene, results from a deletion of one nucleotide at nucleotide position 1546, causing a translational frameshift with a predicted alternate stop codon (p.R516Efs*45). This alteration was reported in a high-risk individual diagnosed with breast cancer who previously tested negative for BRCA1/2 mutations (Fernandes PH et al. Cancer. 2014 Apr;120:963-7). This variant is considered to be rare based on population cohorts in the Genome Aggregation Database (gnomAD). In addition to the clinical data presented in the literature, this alteration is expected to result in loss of function by premature protein truncation or nonsense-mediated mRNA decay. As such, this alteration is interpreted as a disease-causing mutation.

Myriad Genetics, Inc.
Classification: Pathogenic for Familial cancer of breast. Last evaluated: 2023-09-11. Review status: criteria provided, single submitter. Criteria: Myriad Autosomal Dominant, Autosomal Recessive and X-Linked Classification Criteria (2023). Collection method: clinical testing. Allele origin: unknown.
Comment: This variant is considered pathogenic. This variant creates a frameshift predicted to result in premature protein truncation.

Baylor Genetics
Classification: Pathogenic for Familial cancer of breast. Last evaluated: 2022-11-14. Review status: criteria provided, single submitter. Criteria: ACMG Guidelines, 2015. Collection method: clinical testing. Allele origin: unknown.

GeneDx
Classification: Pathogenic. Last evaluated: 2022-02-04. Review status: criteria provided, single submitter. Criteria: GeneDx Variant Classification Process June 2021. Collection method: clinical testing. Allele origin: germline. Affected: yes.
Comment: Frameshift variant predicted to result in nonsense mediated decay in a gene for which loss-of-function is a known mechanism of disease; Not observed at significant frequency in large population cohorts (gnomAD); This variant is associated with the following publications: (PMID: 24415441, 28779002, 25575445)

Quest Diagnostics Nichols Institute San Juan Capistrano
Classification: Pathogenic. Last evaluated: 2017-04-07. Review status: criteria provided, single submitter. Criteria: Quest Diagnostics criteria. Collection method: clinical testing. Allele origin: germline.

Leiden Open Variation Database
Classification: Pathogenic for Familial cancer of breast. Last evaluated: 2019-05-13. Review status: no assertion criteria provided. Collection method: curation. Allele origin: germline. Affected: yes. Not counted in ClinVar's aggregate classification.
Comment: Curators: Marc Tischkowitz, Arleen D. Auerbach. Submitter to LOVD: Marc Tischkowitz.

Literature cited by the submitters: PubMed 17200668 (cited by Labcorp Genetics (formerly Invitae), Labcorp); PubMed 17200671 (cited by Labcorp Genetics (formerly Invitae), Labcorp); PubMed 17200672 (cited by Labcorp Genetics (formerly Invitae), Labcorp); PubMed 24136930 (cited by Labcorp Genetics (formerly Invitae), Labcorp); PubMed 25099575 (cited by Labcorp Genetics (formerly Invitae), Labcorp); PubMed 24415441 (cited by 5 submitters); PubMed 25575445 (cited by 4 submitters); PubMed 27153395 (cited by Color Diagnostics, LLC DBA Color Health); PubMed 28779002 (cited by Color Diagnostics, LLC DBA Color Health); PubMed 33471991 (cited by Color Diagnostics, LLC DBA Color Health).